The following is an entry in ClinVar:

ClinVar aggregate classification (germline): Uncertain significance (1 of 4 stars; one submission).

gnomAD v4.1: 4 of 1,613,878 alleles (0.00025%); highest among the groups gnomAD compares: Admixed American, 0.0017%; no homozygotes.

Submission:

Labcorp Genetics (formerly Invitae), Labcorp
Classification: Uncertain significance. Last evaluated: 2025-04-27. Review status: criteria provided, single submitter. Criteria: Invitae Variant Classification Sherloc (09022015). Collection method: clinical testing. Allele origin: germline.
Comment: This sequence change replaces isoleucine, which is neutral and non-polar, with threonine, which is neutral and polar, at codon 1587 of the SCN3A protein (p.Ile1587Thr). This variant is present in population databases (rs758183236, gnomAD 0.003%). This variant has not been reported in the literature in individuals affected with SCN3A-related conditions. Invitae Evidence Modeling of protein sequence and biophysical properties (such as structural, functional, and spatial information, amino acid conservation, physicochemical variation, residue mobility, and thermodynamic stability) has been performed for this missense variant. However, the output from this modeling did not meet the statistical confidence thresholds required to predict the impact of this variant on SCN3A protein function. In summary, the available evidence is currently insufficient to determine the role of this variant in disease. Therefore, it has been classified as a Variant of Uncertain Significance.

NM_006922.4(SCN3A):c.4760T>C (p.Ile1587Thr)

Gene: SCN3A (sodium voltage-gated channel alpha subunit 3; minus strand). Cytogenetic location: 2q24.3.
Variant type: single nucleotide variant.
Coding change: c.4760T>C on transcript NM_006922.4 (MANE Select); coding-DNA position 4760, T replaced by C.
Protein change: p.Ile1587Thr; replaces isoleucine 1587 with threonine.
Molecular consequence: missense variant.
Genome position (GRCh38, 1-based): chr2:165,092,301, A>G on the plus strand (T>C on the coding strand, the complement: SCN3A is on the minus strand). VCF-style: chr2-165092301-A-G. GRCh37 (hg19) VCF-style: chr2-165948811-A-G.
Other names: c.4613T>C, p.Ile1538Thr (NM_001081676.2, NM_001081677.2); short protein forms I1538T, I1587T.
Identifiers: ClinVar variation 4713632 (VCV004713632.1).
Genomic context (GRCh38, chr2:165,092,301, plus strand): 5'-AAGCTGTTCTTACCTACAATGGAGAGAATCACCACCACAAAGTCAAAGATGTTCCAGCCT[A>G]TAGTGAAGTAGTAGTGTCTGAGGGAGACGAGCTTCAGCACAAATTCTCCAGTGAACAGAA-3'
Protein context (NP_008853.3, residues 1577-1597): LVSLRHYYFT[Ile1587Thr]GWNIFDFVVV